The following is an entry in ClinVar:

ClinVar aggregate classification (germline): Pathogenic (1 of 4 stars; one submission).

Conditions:
Sessile serrated polyposis cancer syndrome (SSPCS). Identifiers: Orphanet 157798, MedGen C4310714, MONDO:0014919, OMIM 617108.

Submission:

Myriad Genetics, Inc.
Classification: Pathogenic for Sessile serrated polyposis cancer syndrome. Last evaluated: 2025-12-15. Review status: criteria provided, single submitter. Criteria: Myriad Autosomal Dominant, Autosomal Recessive and X-Linked Classification Criteria (2023). Collection method: clinical testing. Allele origin: unknown.
Comment: This variant is considered pathogenic. This variant creates a termination codon and is predicted to result in premature protein truncation.

NM_017763.6(RNF43):c.913C>T (p.Gln305Ter)

Gene: RNF43 (ring finger protein 43; minus strand). Cytogenetic location: 17q22.
Variant type: single nucleotide variant.
Coding change: c.913C>T on transcript NM_017763.6 (MANE Select); coding-DNA position 913, C replaced by T.
Protein change: p.Gln305Ter; replaces glutamine 305 with a stop codon.
Molecular consequence: nonsense.
Genome position (GRCh38, 1-based): chr17:58,360,188, G>A on the plus strand (C>T on the coding strand, the complement: RNF43 is on the minus strand). VCF-style: chr17-58360188-G-A. GRCh37 (hg19) VCF-style: chr17-56437549-G-A.
Other names: c.913C>T, p.Gln305Ter (NM_001305544.3, NM_001438820.1, NM_001438821.1 and 1 more transcripts); c.532C>T, p.Gln178Ter (NM_001305545.2, NM_001437987.1); short protein forms Q178*, Q305*.
Identifiers: ClinVar variation 4812966 (VCV004812966.1).